The following is an entry in ClinVar:

ClinVar aggregate classification (germline): Uncertain significance (1 of 4 stars; one submission).

Conditions:
Mucopolysaccharidosis, MPS-III-B (MPS3B). Also called: MPS IIIB (Sanfilippo Syndrome Type B); N-ACETYL-ALPHA-D-GLUCOSAMINIDASE DEFICIENCY; NAGLU DEFICIENCY; SANFILIPPO SYNDROME B; MPS III B; Mucopolysaccharidosis type IIIB (Sanfilippo B). Identifiers: Orphanet 79270, MedGen C0086648, MONDO:0009656, OMIM 252920.
Charcot-Marie-Tooth disease axonal type 2V. Also called: CHARCOT-MARIE-TOOTH NEUROPATHY, TYPE 2V; CHARCOT-MARIE-TOOTH DISEASE, AXONAL, AUTOSOMAL DOMINANT, TYPE 2V. Identifiers: Orphanet 447964, MedGen C5569050, MONDO:0014665, OMIM 616491.

Submission:

Labcorp Genetics (formerly Invitae), Labcorp
Classification: Uncertain significance for Charcot-Marie-Tooth disease axonal type 2V; Mucopolysaccharidosis, MPS-III-B. Last evaluated: 2025-07-21. Review status: criteria provided, single submitter. Criteria: Invitae Variant Classification Sherloc (09022015). Collection method: clinical testing. Allele origin: germline.
Comment: This sequence change replaces glycine, which is neutral and non-polar, with valine, which is neutral and non-polar, at codon 98 of the NAGLU protein (p.Gly98Val). This variant is not present in population databases (gnomAD no frequency). This variant has not been reported in the literature in individuals affected with NAGLU-related conditions. Invitae Evidence Modeling of protein sequence and biophysical properties (such as structural, functional, and spatial information, amino acid conservation, physicochemical variation, residue mobility, and thermodynamic stability) indicates that this missense variant is expected to disrupt NAGLU protein function with a positive predictive value of 95%. In summary, the available evidence is currently insufficient to determine the role of this variant in disease. Therefore, it has been classified as a Variant of Uncertain Significance.

NM_000263.4(NAGLU):c.293G>T (p.Gly98Val)

Gene: NAGLU (N-acetyl-alpha-glucosaminidase; plus strand). Cytogenetic location: 17q21.2.
Variant type: single nucleotide variant.
Coding change: c.293G>T on transcript NM_000263.4 (MANE Select); coding-DNA position 293, G replaced by T.
Protein change: p.Gly98Val; replaces glycine 98 with valine.
Molecular consequence: missense variant.
Genome position (GRCh38, 1-based): chr17:42,536,565, G>T. VCF-style: chr17-42536565-G-T. GRCh37 (hg19) VCF-style: chr17-40688583-G-T.
Other names: short protein forms G98V.
Identifiers: ClinVar variation 4787647 (VCV004787647.1).
Genomic context (GRCh38, chr17:42,536,565, plus strand): 5'-GCGGCTCCACGGGCGTGGCGGCCGCCGCGGGGCTGCACCGCTACCTGCGCGACTTCTGTG[G>T]CTGCCACGTGGCCTGGTCCGGCTCTCAGCTGCGCCTGCCGCGGCCACTGCCAGCCGTGCC-3'
Protein context (NP_000254.2, residues 88-108): GLHRYLRDFC[Gly98Val]CHVAWSGSQL